The following is an entry in ClinVar:

NM_001903.5(CTNNA1):c.2298+1G>C

Gene: CTNNA1 (catenin alpha 1; plus strand). Cytogenetic location: 5q31.2.
Variant type: single nucleotide variant.
Coding change: c.2298+1G>C on transcript NM_001903.5 (MANE Select); the canonical splice donor site of the intron after coding-DNA position 2298, G replaced by C.
Molecular consequence: splice donor variant.
Genome position (GRCh38, 1-based): chr5:138,930,936, G>C. VCF-style: chr5-138930936-G-C. GRCh37 (hg19) VCF-style: chr5-138266625-G-C.
Other names: c.2298+1G>C (NM_001323982.2, NM_001323984.2, NM_001290307.3 and 2 more transcripts); c.2205+1G>C (NM_001323986.2); c.1929+1G>C (NM_001290310.3); c.1989+1G>C (NM_001290309.3); c.1188+1G>C (NM_001323996.1, NM_001323993.1, NM_001324005.1 and 17 more transcripts); c.849+1G>C (NM_001324007.1, NM_001324009.1, NM_001324006.1 and 2 more transcripts); c.945+1G>C (NM_001324013.1, NM_001324012.1); c.1095+1G>C (NM_001324011.1).
Identifiers: ClinVar variation 1514529 (VCV001514529.8), dbSNP rs2150337651, ClinGen allele CA361133983.

ClinVar aggregate classification (germline): Likely pathogenic (1 of 4 stars; one submission).

Submission:

Labcorp Genetics (formerly Invitae), Labcorp
Classification: Likely pathogenic. Last evaluated: 2024-04-17. Review status: criteria provided, single submitter. Criteria: Invitae Variant Classification Sherloc (09022015). Collection method: clinical testing. Allele origin: germline.
Comment: This sequence change affects a donor splice site in intron 16 of the CTNNA1 gene. It is expected to disrupt RNA splicing. Variants that disrupt the donor or acceptor splice site typically lead to a loss of protein function (PMID: 16199547), and loss-of-function variants in CTNNA1 are known to be pathogenic (PMID: 32051609, 34425242). This variant is not present in population databases (gnomAD no frequency). This variant has not been reported in the literature in individuals affected with CTNNA1-related conditions. ClinVar contains an entry for this variant (Variation ID: 1514529). Algorithms developed to predict the effect of sequence changes on RNA splicing suggest that this variant may disrupt the consensus splice site. In summary, the currently available evidence indicates that the variant is pathogenic, but additional data are needed to prove that conclusively. Therefore, this variant has been classified as Likely Pathogenic.

Literature cited by the submitters: PubMed 16199547; PubMed 32051609; PubMed 34425242.